The following is an entry in ClinVar:

ClinVar aggregate classification (germline): Uncertain significance (1 of 4 stars; one submission).

Allele frequency attached by ClinVar (database versions not stated): ExAC 0.00001; TOPMed 0.00002; gnomAD 0.00004.
gnomAD v4.1: 35 of 1,610,702 alleles (0.0022%); highest among the groups gnomAD compares: East Asian, 0.013%; no homozygotes.

Submission:

Labcorp Genetics (formerly Invitae), Labcorp
Classification: Uncertain significance. Last evaluated: 2022-03-17. Review status: criteria provided, single submitter. Criteria: Invitae Variant Classification Sherloc (09022015). Collection method: clinical testing. Allele origin: germline.
Comment: In summary, the available evidence is currently insufficient to determine the role of this variant in disease. Therefore, it has been classified as a Variant of Uncertain Significance. Algorithms developed to predict the effect of missense changes on protein structure and function output the following: SIFT: "Tolerated"; PolyPhen-2: "Benign"; Align-GVGD: "Class C0". The valine amino acid residue is found in multiple mammalian species, which suggests that this missense change does not adversely affect protein function. This variant has not been reported in the literature in individuals affected with VPS13C-related conditions. This variant is present in population databases (rs776116830, gnomAD 0.004%). This sequence change replaces isoleucine, which is neutral and non-polar, with valine, which is neutral and non-polar, at codon 299 of the VPS13C protein (p.Ile299Val).

NM_020821.3(VPS13C):c.895A>G (p.Ile299Val)

Gene: VPS13C (vacuolar protein sorting 13 homolog C; minus strand). Cytogenetic location: 15q22.2.
Variant type: single nucleotide variant.
Coding change: c.895A>G on transcript NM_020821.3 (MANE Select); coding-DNA position 895, A replaced by G.
Protein change: p.Ile299Val; replaces isoleucine 299 with valine.
Molecular consequence: missense variant.
Genome position (GRCh38, 1-based): chr15:62,010,588, T>C on the plus strand (A>G on the coding strand, the complement: VPS13C is on the minus strand). VCF-style: chr15-62010588-T-C. GRCh37 (hg19) VCF-style: chr15-62302787-T-C.
Other names: c.895A>G, p.Ile299Val (NM_001018088.3); c.766A>G, p.Ile256Val (NM_017684.5, NM_018080.4); short protein forms I256V, I299V.
Identifiers: ClinVar variation 1895909 (VCV001895909.5), dbSNP rs776116830, ClinGen allele CA7597296.
Genomic context (GRCh38, chr15:62,010,588, plus strand): 5'-TGGGCGTTTTGAGCTCTGATTCTGCATAAGGATTCATGTAGAGTTTTGCAGAGGCTGATA[T>C]TGGCTGGAAAACTTACATCACATGGGAAGACATAAGATATGTTCATATGCTTTTACATAT-3'
Protein context (NP_065872.1, residues 289-309): PPNYQYIFQP[Ile299Val]SASAKLYMNP